The following is an entry in ClinVar:

NM_032444.4(SLX4):c.1372A>G (p.Lys458Glu)

Gene: SLX4 (SLX4 structure-specific endonuclease subunit; minus strand). Cytogenetic location: 16p13.3.
Variant type: single nucleotide variant.
Coding change: c.1372A>G on transcript NM_032444.4 (MANE Select); coding-DNA position 1372, A replaced by G.
Protein change: p.Lys458Glu; replaces lysine 458 with glutamic acid.
Molecular consequence: missense variant.
Genome position (GRCh38, 1-based): chr16:3,597,690, T>C on the plus strand (A>G on the coding strand, the complement: SLX4 is on the minus strand). VCF-style: chr16-3597690-T-C. GRCh37 (hg19) VCF-style: chr16-3647691-T-C.
Other names: c.1372A>G (LRG_503t1); short protein forms K458E.
Identifiers: ClinVar variation 407935 (VCV000407935.74), dbSNP rs149126845, ClinGen allele CA7866534.

ClinVar aggregate classification (germline): Conflicting classifications of pathogenicity. Review status: criteria provided, conflicting classifications (1 of 4 stars). 14 submissions from 14 submitters: Uncertain significance (8); Benign (1); Likely benign (4). 1 of the submissions does not count toward it. Last evaluated 2026-01-12.

Conditions:
SLX4-related disorder. Also called: SLX4-related condition.
Hereditary cancer. Identifiers: MedGen C1333600.
Fanconi anemia complementation group P. Also called: SLX4-Related Fanconi Anemia. Identifiers: Orphanet 84, MedGen C3469542, MONDO:0013499, OMIM 613951.
Fanconi anemia (FA). Also called: Fanconi's anemia. Identifiers: Orphanet 84, MedGen C0015625, MeSH D005199, MONDO:0019391.

Allele frequency attached by ClinVar (database versions not stated): gnomAD exomes 0.00080 and 0.00078; 1000 Genomes Project 30x 0.00016; 1000 Genomes Project 0.00020; ESP Exome Variant Server 0.00023; ExAC 0.00059; gnomAD 0.00069 and 0.00087; TOPMed 0.00114.
gnomAD v4.1: 1,259 of 1,613,912 alleles (0.078%); highest among the groups gnomAD compares: Admixed American, 0.18%; no homozygotes.

Submissions (14):

Labcorp Genetics (formerly Invitae), Labcorp
Classification: Benign for Fanconi anemia. Last evaluated: 2026-01-12. Review status: criteria provided, single submitter. Criteria: Invitae Variant Classification Sherloc (09022015). Collection method: clinical testing. Allele origin: germline.

PreventionGenetics, part of Exact Sciences
Classification: Likely benign for SLX4-related condition. Last evaluated: 2025-08-22. Review status: criteria provided, single submitter. Criteria: ACMG Guidelines, 2015. Collection method: clinical testing. Allele origin: germline.
Comment: This variant is classified as likely benign based on ACMG/AMP sequence variant interpretation guidelines (Richards et al. 2015 PMID: 25741868, with internal and published modifications).

GeneDx
Classification: Uncertain significance. Last evaluated: 2025-01-17. Review status: criteria provided, single submitter. Criteria: GeneDx Variant Classification Process June 2021. Collection method: clinical testing. Allele origin: germline. Affected: yes.
Comment: Observed in an individual with seizures and developmental delay who was de novo for a variant in the SLC1A2 gene as well as compound heterozygous for the K458E variant and another SLX4 missense variant; however follow up testing for Fanconi anemia was normal (PMID: 28777935); Identified in individuals with breast, ovarian, or head/neck cancers, but also observed in controls (PMID: 22911665, 23840564, 32546565, 28678401, 30613976); In silico analysis supports that this missense variant has a deleterious effect on protein structure/function; This variant is associated with the following publications: (PMID: 23840564, 32546565, 28678401, 22911665, 30613976, 37488289, 28777935)

St. Jude Molecular Pathology, St. Jude Children's Research Hospital
Classification: Uncertain significance for Fanconi anemia complementation group P. Last evaluated: 2024-12-08. Review status: criteria provided, single submitter. Criteria: St. Jude Assertion Criteria 2020. Collection method: clinical testing. Allele origin: germline.
Comment: The SLX4 c.1372A>G (p.Lys458Glu) missense change has a maximum subpopulation frequency of 0.19% in gnomAD v2.1.1. The in silico tool REVEL predicts a benign effect on protein function, but to our knowledge this prediction has not been confirmed by functional studies. To our knowledge, this variant has not been reported in individuals with Fanconi anemia. In summary, the evidence currently available is insufficient to determine the clinical significance of this variant. It has therefore been classified as of uncertain significance.

Blueprint Genetics
Classification: Likely benign. Last evaluated: 2024-11-27. Review status: criteria provided, single submitter. Criteria: ACMG Guidelines, 2015. Collection method: clinical testing. Allele origin: germline.

Mendelics
Classification: Likely benign for Hereditary cancer. Last evaluated: 2024-01-23. Review status: criteria provided, single submitter. Criteria: ACMG Guidelines, 2015. Collection method: clinical testing. Allele origin: unknown.

Institute for Clinical Genetics, University Hospital TU Dresden, University Hospital TU Dresden
Classification: Uncertain significance. Last evaluated: 2021-11-03. Review status: criteria provided, single submitter. Criteria: ACMG Guidelines, 2015. Collection method: clinical testing. Allele origin: germline.

Sema4
Classification: Likely benign for Fanconi anemia. Last evaluated: 2021-04-07. Review status: criteria provided, single submitter. Criteria: Sema4 Curation Guidelines. Collection method: curation. Allele origin: germline.

Genetic Services Laboratory, University of Chicago
Classification: Uncertain significance. Last evaluated: 2020-01-13. Review status: criteria provided, single submitter. Criteria: ACMG Guidelines, 2015. Collection method: clinical testing. Allele origin: germline. Affected: no.
Comment: DNA sequence analysis of the SLX4 gene demonstrated a sequence change, c.1372A>G, in exon 7 that results in an amino acid change, p.Lys458Glu. This sequence change has been previously described in a patient with breast cancer, however there is not enough evidence to support the pathogenicity of this sequence change in these studies (PMID: 22911665 and PMID: 23840564). This sequence change has been described in the gnomAD database with a low population frequency of 0.075% (dbSNP rs149126845). The p.Lys458Glu change affects a highly conserved amino acid residue located in a domain of the SLX4 protein that is not known to be functional. In-silico pathogenicity prediction tools (SIFT, PolyPhen2, Align GVGD, REVEL) provide contradictory results for the p.Lys458Glu substitution. Due to these contrasting evidences and the lack of functional studies, the clinical significance of the p.Lys458Glu change remains unknown at this time.

Baylor Genetics
Classification: Uncertain significance for Fanconi anemia complementation group P. Last evaluated: 2019-06-19. Review status: criteria provided, single submitter. Criteria: ACMG Guidelines, 2015. Collection method: clinical testing. Allele origin: unknown. Affected: yes. Study: CSER-TexasKidsCanSeq.
Comment: This variant was determined to be of uncertain significance according to ACMG Guidelines, 2015 [PMID:25741868].

Fulgent Genetics
Classification: Uncertain significance for Fanconi anemia complementation group P. Last evaluated: 2018-10-31. Review status: criteria provided, single submitter. Criteria: ACMG Guidelines, 2015. Collection method: clinical testing. Allele origin: unknown.

CeGaT Center for Human Genetics Tuebingen
Classification: Uncertain significance. Last evaluated: 2017-12-01. Review status: criteria provided, single submitter. Criteria: CeGaT Center For Human Genetics Tuebingen Variant Classification Criteria Version 2. Collection method: clinical testing. Allele origin: germline. Affected: yes. Observed: 1 variant allele.

Illumina Laboratory Services, Illumina
Classification: Uncertain significance for Fanconi anemia complementation group P. Last evaluated: 2017-04-28. Review status: criteria provided, single submitter. Criteria: ICSL Variant Classification Criteria 13 December 2019. Collection method: clinical testing. Allele origin: germline.

Leiden Open Variation Database
Classification: Likely benign. Last evaluated: 2012-08-31. Review status: no assertion criteria provided. Collection method: curation. Allele origin: germline. Affected: yes. Not counted in ClinVar's aggregate classification.
Comment: Curator: Arleen D. Auerbach. Submitter to LOVD: Janine Bakker.

Literature cited by the submitters: PubMed 28678401 (cited by Sema4); PubMed 22911665 (cited by Sema4 and Leiden Open Variation Database).